The following is an entry in ClinVar:

ClinVar aggregate classification (germline): Uncertain significance (1 of 4 stars; one submission).

Conditions:
Cardiomyopathy (CMYO). Also called: Cardiomyopathies. Identifiers: Orphanet 167848, MedGen C0878544, MONDO:0004994, HP:0001638. Inheritance: Various modes of inheritance.

Allele frequency attached by ClinVar (database versions not stated): TOPMed below 0.00001.

Submission:

All of Us Research Program, National Institutes of Health
Classification: Uncertain significance for Cardiomyopathy. Last evaluated: 2023-12-18. Review status: criteria provided, single submitter. Criteria: ACMG Guidelines, 2015. Collection method: clinical testing. Allele origin: germline. Inheritance: Autosomal dominant inheritance. Observed: 1 variant allele, 1 heterozygote.
Comment: This missense variant replaces glutamic acid with lysine at codon 22 of the TNNT2 protein. Computational prediction is inconclusive regarding the impact of this variant on protein structure and function (internally defined REVEL score threshold 0.5 < inconclusive < 0.7, PMID: 27666373). To our knowledge, functional studies have not been reported for this variant. This variant has not been reported in individuals affected with TNNT2-related disorders in the literature. This variant has not been identified in the general population by the Genome Aggregation Database (gnomAD). The available evidence is insufficient to determine the role of this variant in disease conclusively. Therefore, this variant is classified as a Variant of Uncertain Significance.

This study involves interpretation of variants in research participants for the purpose of population health screening. Participant phenotype was not available at the time of variant classification. Additional details can be found in publication PMID: 35346344, PMCID: PMC8962531

NM_001276345.2(TNNT2):c.64G>A (p.Glu22Lys)

Gene: TNNT2 (troponin T2, cardiac type; minus strand). Cytogenetic location: 1q32.1.
Variant type: single nucleotide variant.
Coding change: c.64G>A on transcript NM_001276345.2 (MANE Select); coding-DNA position 64, G replaced by A.
Protein change: p.Glu22Lys; replaces glutamic acid 22 with lysine.
Molecular consequence: missense variant. On other transcripts: intron variant (2).
Genome position (GRCh38, 1-based): chr1:201,372,030, C>T on the plus strand (G>A on the coding strand, the complement: TNNT2 is on the minus strand). VCF-style: chr1-201372030-C-T. GRCh37 (hg19) VCF-style: chr1-201341158-C-T.
Other names: c.64G>A, p.Glu22Lys (NM_000364.4, NM_001001430.3, NM_001001431.3 and 7 more transcripts); c.52+115G>A (NM_001001432.3, NM_001406728.1); short protein forms E22K.
Identifiers: ClinVar variation 3075175 (VCV003075175.1), dbSNP rs1660681373, ClinGen allele CA344208003.